The following is an entry in ClinVar:

ClinVar aggregate classification (germline): Likely pathogenic (1 of 4 stars; one submission).

Conditions:
Myopathy, proximal, and ophthalmoplegia (CMYO6). Also called: MYOPATHY WITH CONGENITAL JOINT CONTRACTURES, OPHTHALMOPLEGIA, AND RIMMED VACUOLES; CONGENITAL MYOPATHY 6 WITH OPHTHALMOPLEGIA; INCLUSION BODY MYOPATHY 3, AUTOSOMAL DOMINANT. Identifiers: Orphanet 363677, Orphanet 79091, MedGen C1854106, MONDO:0011577, OMIM 605637.

Submission:

First Genomix Gene Laboratory, Genetic Diagnostics Department
Classification: Likely pathogenic for Myopathy, proximal, and ophthalmoplegia. Last evaluated: 2025-08-25. Review status: criteria provided, single submitter. Criteria: ACMG Guidelines, 2015. Collection method: clinical testing. Allele origin: germline. Inheritance: Autosomal recessive inheritance. Affected: no. Observed: 1 variant allele.

NM_017534.6(MYH2):c.2560G>T (p.Glu854Ter)

Genes: MYH2 (myosin heavy chain 2; minus strand), MYHAS (myosin heavy chain gene cluster antisense RNA; plus strand). Cytogenetic location: 17p13.1.
Variant type: single nucleotide variant.
Coding change: c.2560G>T on transcript NM_017534.6 (MANE Select); coding-DNA position 2560, G replaced by T.
Protein change: p.Glu854Ter; replaces glutamic acid 854 with a stop codon.
Molecular consequence: nonsense.
Genome position (GRCh38, 1-based): chr17:10,531,770, C>A on the plus strand (G>T on the coding strand, the complement: MYH2 is on the minus strand). VCF-style: chr17-10531770-C-A. GRCh37 (hg19) VCF-style: chr17-10435087-C-A.
Other names: c.2560G>T, p.Glu854Ter (NM_001100112.2); short protein forms E854*.
Identifiers: ClinVar variation 4850482 (VCV004850482.1).
Genomic context (GRCh38, chr17:10,531,770, plus strand): 5'-CCTCTGACTTGGCAAGTTCGTCTTTAATTTTCTGAAATTCTTCCTTCATGGTGGCCATCT[C>A]CTTCTCAGTTTCTGCACTCTTCAACAGAGGCTTGATCTTGAAGAAGAGTTTCATCCAGGG-3'